The following is an entry in ClinVar:

NM_001172509.2(SATB2):c.1387-5G>A

Gene: SATB2 (SATB homeobox 2; minus strand). Cytogenetic location: 2q33.1.
Variant type: single nucleotide variant.
Coding change: c.1387-5G>A on transcript NM_001172509.2 (MANE Select); 5 bases into the intron before coding-DNA position 1387, G replaced by A.
Molecular consequence: intron variant.
Genome position (GRCh38, 1-based): chr2:199,323,963, C>T on the plus strand (G>A on the coding strand, the complement: SATB2 is on the minus strand). VCF-style: chr2-199323963-C-T. GRCh37 (hg19) VCF-style: chr2-200188686-C-T.
Other names: c.1387-5G>A (NM_001172517.1, NM_015265.4).
Identifiers: ClinVar variation 4975543 (VCV004975543.1).

ClinVar aggregate classification (germline): Uncertain significance (1 of 4 stars; one submission).

Submission:

GeneDx
Classification: Uncertain significance. Last evaluated: 2026-01-30. Review status: criteria provided, single submitter. Criteria: GeneDx Variant Classification Process June 2021. Collection method: clinical testing. Allele origin: germline.
Comment: Not observed at significant frequency in large population cohorts (gnomAD); In silico analysis supports a deleterious effect on splicing; Has not been previously published as pathogenic or benign to our knowledge